The following is an entry in ClinVar:

NM_000463.3(UGT1A1):c.-4C>T

Genes: UGT1A5 (UDP glucuronosyltransferase family 1 member A5; plus strand), UGT1A6 (UDP glucuronosyltransferase family 1 member A6; plus strand), UGT1A7 (UDP glucuronosyltransferase family 1 member A7; plus strand), UGT1A8 (UDP glucuronosyltransferase family 1 member A8; plus strand), UGT1A9 (UDP glucuronosyltransferase family 1 member A9; plus strand) and 5 more. Cytogenetic location: 2q37.1.
Variant type: single nucleotide variant.
Coding change: c.-4C>T on transcript NM_000463.3 (MANE Select); 4 bases upstream of the start codon, C replaced by T.
Molecular consequence: 5 prime UTR variant. On other transcripts: intron variant (9).
Genome position (GRCh38, 1-based): chr2:233,760,284, C>T. VCF-style: chr2-233760284-C-T. GRCh37 (hg19) VCF-style: chr2-234668930-C-T.
Other names: c.856-6750C>T (NM_019076.5, NM_019075.4, NM_021027.3 and 1 more transcripts); c.61-6750C>T (NM_205862.3); c.862-6750C>T (NM_001072.4); c.868-6750C>T (NM_019078.2, NM_007120.3, NM_019093.4 and 1 more transcripts).
Identifiers: ClinVar variation 597216 (VCV000597216.6), dbSNP rs752018052, ClinGen allele CA2179753.
Genomic context (GRCh38, chr2:233,760,284, plus strand): 5'-GGTTTTTGCCATATATATATATATAAGTAGGAGAGGGCGAACCTCTGGCAGGAGCAAAGG[C>T]GCCATGGCTGTGGAGTCCCAGGGCGGACGCCCACTTGTCCTGGGCCTGCTGCTGTGTGTG-3'

ClinVar aggregate classification (germline): Uncertain significance. Review status: criteria provided, single submitter (1 of 4 stars). 2 submissions from 2 submitters: Uncertain significance (1). 1 of the submissions does not count toward it. Last evaluated 2018-05-15.

Conditions:
UGT1A4-related disorder. Also called: UGT1A4-related condition.

Allele frequency attached by ClinVar (database versions not stated): ExAC 0.00001; gnomAD 0.00002; gnomAD exomes 0.00001.
gnomAD v4.1: 9 of 1,612,882 alleles (0.00056%); highest among the groups gnomAD compares: Middle Eastern, 0.019%; no homozygotes.

Submissions (2):

Eurofins Ntd Llc (ga)
Classification: Uncertain significance. Last evaluated: 2018-05-15. Review status: criteria provided, single submitter. Criteria: EGL ClinVar v180209 classification definitions. Collection method: clinical testing. Allele origin: germline. Observed: 1 variant allele, 1 heterozygote.

PreventionGenetics, part of Exact Sciences
Classification: Likely benign for UGT1A4-related condition. Last evaluated: 2024-08-07. Review status: no assertion criteria provided. Collection method: clinical testing. Allele origin: germline. Not counted in ClinVar's aggregate classification.
Comment: This variant is classified as likely benign based on ACMG/AMP sequence variant interpretation guidelines (Richards et al. 2015 PMID: 25741868, with internal and published modifications).